The following is an entry in ClinVar:

ClinVar aggregate classification (germline): Conflicting classifications of pathogenicity. Review status: criteria provided, conflicting classifications (1 of 4 stars). 5 submissions from 5 submitters: Pathogenic (1); Uncertain significance (2). 2 of the submissions do not count toward it. Last evaluated 2024-10-02.

Conditions:
MYH2-related disorder. Also called: MYH2-related condition.
Myopathy, proximal, and ophthalmoplegia (CMYO6). Also called: MYOPATHY WITH CONGENITAL JOINT CONTRACTURES, OPHTHALMOPLEGIA, AND RIMMED VACUOLES; INCLUSION BODY MYOPATHY 3, AUTOSOMAL DOMINANT; CONGENITAL MYOPATHY 6 WITH OPHTHALMOPLEGIA. Identifiers: Orphanet 363677, Orphanet 79091, MedGen C1854106, MONDO:0011577, OMIM 605637.

Allele frequency attached by ClinVar (database versions not stated): TOPMed below 0.00001; gnomAD 0.00001; gnomAD exomes 0.00001; ExAC 0.00002.
gnomAD v4.1: 24 of 1,613,914 alleles (0.0015%); highest among the groups gnomAD compares: South Asian, 0.0088%; no homozygotes.

Submissions (5):

Revvity Omics, Revvity
Classification: Uncertain significance for Myopathy, proximal, and ophthalmoplegia. Last evaluated: 2024-10-02. Review status: criteria provided, single submitter. Criteria: ACMG Guidelines, 2015. Collection method: clinical testing. Allele origin: germline.

Labcorp Genetics (formerly Invitae), Labcorp
Classification: Uncertain significance for Myopathy, proximal, and ophthalmoplegia. Last evaluated: 2023-07-17. Review status: criteria provided, single submitter. Criteria: Invitae Variant Classification Sherloc (09022015). Collection method: clinical testing. Allele origin: germline.
Comment: This missense change has been observed in individual(s) with proximal myopathy with ophthalmoplegia (PMID: 24193343). This sequence change replaces threonine, which is neutral and polar, with isoleucine, which is neutral and non-polar, at codon 178 of the MYH2 protein (p.Thr178Ile). This variant is present in population databases (rs756953958, gnomAD 0.007%). ClinVar contains an entry for this variant (Variation ID: 183667). An algorithm developed to predict the effect of missense changes on protein structure and function (PolyPhen-2) suggests that this variant is likely to be disruptive. In summary, the available evidence is currently insufficient to determine the role of this variant in disease. Therefore, it has been classified as a Variant of Uncertain Significance.

Mendelics
Classification: Pathogenic for Myopathy, proximal, and ophthalmoplegia. Last evaluated: 2022-05-04. Review status: criteria provided, single submitter. Criteria: Mendelics Assertion Criteria 2019. Collection method: clinical testing. Allele origin: germline.

PreventionGenetics, part of Exact Sciences
Classification: Uncertain significance for MYH2-related condition. Last evaluated: 2023-12-12. Review status: no assertion criteria provided. Collection method: clinical testing. Allele origin: germline. Not counted in ClinVar's aggregate classification.
Comment: The MYH2 c.533C>T variant is predicted to result in the amino acid substitution p.Thr178Ile. This variant has been reported in the homozygous state in an individual with autosomal recessive myosin myopathy with external ophthalmoplegia (Tajsharghi. 2014. PubMed ID: 24193343). The patient’s parents were heterozygous for the variant and were reported to be unaffected. This variant is reported in 0.0062% of alleles in individuals of African descent in gnomAD. At this time, the clinical significance of this variant is uncertain due to the absence of conclusive functional and genetic evidence.

OMIM
Classification: Pathogenic for CONGENITAL MYOPATHY 6 WITH OPHTHALMOPLEGIA, AUTOSOMAL RECESSIVE. Last evaluated: 2014-06-01. Review status: no assertion criteria provided. Collection method: literature only. Allele origin: germline. Not counted in ClinVar's aggregate classification.

Literature cited by the submitters: PubMed 24193343 (cited by Labcorp Genetics (formerly Invitae), Labcorp and OMIM).

NM_017534.6(MYH2):c.533C>T (p.Thr178Ile)

Genes: MYHAS (myosin heavy chain gene cluster antisense RNA; plus strand), MYH2 (myosin heavy chain 2; minus strand), LOC126862501 (CDK7 strongly-dependent group 2 enhancer GRCh37_chr17:10446256-10447455; plus strand). Cytogenetic location: 17p13.1.
Variant type: single nucleotide variant.
Coding change: c.533C>T on transcript NM_017534.6 (MANE Select); coding-DNA position 533, C replaced by T.
Protein change: p.Thr178Ile; replaces threonine 178 with isoleucine.
Molecular consequence: missense variant.
Genome position (GRCh38, 1-based): chr17:10,544,100, G>A on the plus strand (C>T on the coding strand, the complement: MYH2 is on the minus strand). VCF-style: chr17-10544100-G-A. GRCh37 (hg19) VCF-style: chr17-10447417-G-A.
Other names: c.533C>T, p.Thr178Ile (NM_001100112.2); short protein forms T178I.
Identifiers: ClinVar variation 183667 (VCV000183667.13), dbSNP rs756953958, ClinGen allele CA186126.
Genomic context (GRCh38, chr17:10,544,100, plus strand): 5'-ATGTGGTCTCAAACCTAGCAGCTATCACAGCCATGTAAAGAAAGCATAAAATCTACTTAC[G>A]TGATCAGGATTGACTGATTCTCTCGGTCTACAAAAGAAATTATAGACATTTAATACTGTT-3'
Protein context (NP_060004.3, residues 168-188): TDRENQSILI[Thr178Ile]GESGAGKTVN